The following is an entry in ClinVar:

ClinVar aggregate classification (germline): Likely benign. Review status: criteria provided, multiple submitters, no conflicts (2 of 4 stars). 2 submissions from 2 submitters: Likely benign (2). Last evaluated 2026-06-08.

Conditions:
Tumor predisposition syndrome 2 (TPDS2). Also called: MBD4-Related Tumor Predisposition Syndrome; MBD4-associated neoplasia syndrome (MANS); MBD4-ASSOCIATED NEOPLASIA SYNDROME. Identifiers: Orphanet 661526, MedGen C5774186, MONDO:0859267, OMIM 619975.

gnomAD v4.1: 5 of 1,543,550 alleles (0.00032%); highest among the groups gnomAD compares: Admixed American, 0.0019%; no homozygotes.

Submissions (2):

Myriad Genetics, Inc.
Classification: Likely benign for Tumor predisposition syndrome 2. Last evaluated: 2026-06-08. Review status: criteria provided, single submitter. Criteria: Myriad Autosomal Dominant, Autosomal Recessive and X-Linked Classification Criteria (2023). Collection method: clinical testing. Allele origin: unknown.
Comment: This variant is considered likely benign. This variant is intronic and is not expected to impact mRNA splicing.

Labcorp Genetics (formerly Invitae), Labcorp
Classification: Likely benign. Last evaluated: 2025-10-31. Review status: criteria provided, single submitter. Criteria: Invitae Variant Classification Sherloc (09022015). Collection method: clinical testing. Allele origin: germline.

NM_001276270.2(MBD4):c.104+9C>T

Gene: MBD4 (methyl-CpG binding domain 4, DNA glycosylase; minus strand). Cytogenetic location: 3q21.3.
Variant type: single nucleotide variant.
Coding change: c.104+9C>T on transcript NM_001276270.2 (MANE Select); 9 bases into the intron after coding-DNA position 104, C replaced by T.
Molecular consequence: intron variant.
Genome position (GRCh38, 1-based): chr3:129,439,721, G>A on the plus strand (C>T on the coding strand, the complement: MBD4 is on the minus strand). VCF-style: chr3-129439721-G-A. GRCh37 (hg19) VCF-style: chr3-129158564-G-A.
Other names: c.104+9C>T (NM_001276273.2, NM_001276272.2, NM_003925.3 and 1 more transcripts).
Identifiers: ClinVar variation 3699753 (VCV003699753.3).